The following is an entry in ClinVar:

NM_001353108.3(CEP63):c.1608dup (p.Gln537fs)

Gene: CEP63 (centrosomal protein 63; plus strand). Cytogenetic location: 3q22.2.
Variant type: Duplication.
Coding change: c.1608dup on transcript NM_001353108.3 (MANE Select); coding-DNA position 1608, one base duplicated (A; older notation c.1608dupA).
Protein change: p.Gln537fs; shifts the reading frame from glutamine 537.
Molecular consequence: frameshift variant. On other transcripts: intron variant (17).
Genome position (GRCh38, 1-based): chr3:134,558,282, A duplicated; the last of 6 consecutive A bases (chr3:134,558,277-134,558,282); duplicating any one gives the same sequence. VCF-style (leftmost placement, unchanged base first): chr3-134558276-C-CA. GRCh37 (hg19) VCF-style: chr3-134277118-C-CA.
Other names: c.1470dup, p.Gln491fs (NM_001353109.1); c.1608dup, p.Gln537fs (NM_025180.5); c.1467+6270dup (NM_001353113.1, NM_001353117.2); c.1329+6270dup (NM_001042384.2, NM_001353124.2, NM_001353123.2); c.1330-3095dup (NM_001353122.1, NM_001042383.2, NM_001353121.2 and 2 more transcripts); c.1468-3095dup (NM_001353110.1, NM_001353112.2, NM_001353111.2 and 1 more transcripts); c.1357-3095dup (NM_001353118.1); c.967-3095dup (NM_001353126.2); and 1 more; short protein forms Q491fs, Q537fs.
Identifiers: ClinVar variation 1924575 (VCV001924575.5), dbSNP rs756469612, ClinGen allele CA2628724.

ClinVar aggregate classification (germline): Pathogenic (1 of 4 stars; one submission).

Submission:

Labcorp Genetics (formerly Invitae), Labcorp
Classification: Pathogenic. Last evaluated: 2022-10-05. Review status: criteria provided, single submitter. Criteria: Invitae Variant Classification Sherloc (09022015). Collection method: clinical testing. Allele origin: germline.
Comment: For these reasons, this variant has been classified as Pathogenic. This variant has not been reported in the literature in individuals affected with CEP63-related conditions. This variant is present in population databases (rs756469612, gnomAD 0.004%). This sequence change creates a premature translational stop signal (p.Gln537Thrfs*3) in the CEP63 gene. It is expected to result in an absent or disrupted protein product. Loss-of-function variants in CEP63 are known to be pathogenic (PMID: 21983783, 23936128, 26158450).

Literature cited by the submitters: PubMed 21983783; PubMed 23936128; PubMed 26158450.